The following is an entry in ClinVar:

ClinVar aggregate classification (germline): Pathogenic (1 of 4 stars; one submission).

Submission:

Labcorp Genetics (formerly Invitae), Labcorp
Classification: Pathogenic. Last evaluated: 2023-07-18. Review status: criteria provided, single submitter. Criteria: Invitae Variant Classification Sherloc (09022015). Collection method: clinical testing. Allele origin: germline.
Comment: This sequence change creates a premature translational stop signal (p.Met871Thrfs*3) in the GRIP1 gene. It is expected to result in an absent or disrupted protein product. Loss-of-function variants in GRIP1 are known to be pathogenic (PMID: 22510445, 24357607). This variant is not present in population databases (gnomAD no frequency). This variant has not been reported in the literature in individuals affected with GRIP1-related conditions. For these reasons, this variant has been classified as Pathogenic.

Literature cited by the submitters: PubMed 22510445; PubMed 24357607.

NM_001366722.1(GRIP1):c.2768_2772delinsCTTGGTAGAACTTTGAGAAACTTTGAGAAAACTTTGAGAAAACTTTGAGAAA (p.Met923_Thr924delinsThrTrpTer)

Gene: GRIP1 (glutamate receptor interacting protein 1; minus strand). Cytogenetic location: 12q14.3.
Variant type: Indel.
Coding change: c.2768_2772delinsCTTGGTAGAACTTTGAGAAACTTTGAGAAAACTTTGAGAAAACTTTGAGAAA on transcript NM_001366722.1 (MANE Select); coding-DNA positions 2768 to 2772, the reference bases replaced by an inserted sequence.
Protein change: p.Met923_Thr924delinsThrTrpTer.
Molecular consequence: nonsense. On other transcripts: intron variant (5).
Genome position (GRCh38, 1-based): chr12:66,377,023-66,377,027, 5 bases replaced. GRCh37 (hg19): chr12:66,770,803-66,770,807.
Other names: c.2687_2691delinsCTTGGTAGAACTTTGAGAAACTTTGAGAAAACTTTGAGAAAACTTTGAGAAA, p.Met896_Thr897delinsThrTrpTer (NM_001366723.1); c.2690_2694delinsCTTGGTAGAACTTTGAGAAACTTTGAGAAAACTTTGAGAAAACTTTGAGAAA, p.Met897_Thr898delinsThrTrpTer (NM_001366724.1); c.2846_2850delinsCTTGGTAGAACTTTGAGAAACTTTGAGAAAACTTTGAGAAAACTTTGAGAAA, p.Met949_Thr950delinsThrTrpTer (NM_001379345.1); c.2615_2619delinsCTTGGTAGAACTTTGAGAAACTTTGAGAAAACTTTGAGAAAACTTTGAGAAA, p.Met872_Thr873delinsThrTrpTer (NM_001379349.1); c.2612_2616delinsCTTGGTAGAACTTTGAGAAACTTTGAGAAAACTTTGAGAAAACTTTGAGAAA, p.Met871_Thr872delinsThrTrpTer (NM_021150.4); c.2577+147_2577+151delinsCTTGGTAGAACTTTGAGAAACTTTGAGAAAACTTTGAGAAAACTTTGAGAAA (NM_001379351.1, NM_001178074.2); c.2652+147_2652+151delinsCTTGGTAGAACTTTGAGAAACTTTGAGAAAACTTTGAGAAAACTTTGAGAAA (NM_001379348.1); c.2655+147_2655+151delinsCTTGGTAGAACTTTGAGAAACTTTGAGAAAACTTTGAGAAAACTTTGAGAAA (NM_001379347.1); and 1 more.
Identifiers: ClinVar variation 2744863 (VCV002744863.3), dbSNP rs2499836372, ClinGen allele CA2697559361.